The following is an entry in ClinVar:

ClinVar aggregate classification (germline): Uncertain significance. Review status: criteria provided, multiple submitters, no conflicts (2 of 4 stars). 4 submissions from 4 submitters: Uncertain significance (3). 1 of the submissions does not count toward it. Last evaluated 2024-08-05.

Conditions:
Inborn genetic diseases. Identifiers: MedGen C0950123, MeSH D030342.
Usher syndrome type 1C. Also called: USHER SYNDROME, TYPE I, ACADIAN VARIETY. Identifiers: Orphanet 231169, Orphanet 886, MedGen C1848604, MONDO:0010171, OMIM 276904.

Allele frequency attached by ClinVar (database versions not stated): gnomAD exomes 0.00002 and 0.00001; TOPMed 0.00002; ESP Exome Variant Server 0.00008; ExAC 0.00002; gnomAD 0.00002.

Submissions (4):

Ambry Genetics
Classification: Uncertain significance for Inborn genetic diseases. Last evaluated: 2024-08-05. Review status: criteria provided, single submitter. Criteria: Ambry Variant Classification Scheme 2023. Collection method: clinical testing. Allele origin: germline.

Blueprint Genetics
Classification: Uncertain significance. Last evaluated: 2024-03-18. Review status: criteria provided, single submitter. Criteria: ACMG Guidelines, 2015. Collection method: clinical testing. Allele origin: germline.

Labcorp Genetics (formerly Invitae), Labcorp
Classification: Uncertain significance. Last evaluated: 2022-08-31. Review status: criteria provided, single submitter. Criteria: Invitae Variant Classification Sherloc (09022015). Collection method: clinical testing. Allele origin: germline.
Comment: This sequence change replaces arginine, which is basic and polar, with cysteine, which is neutral and slightly polar, at codon 282 of the USH1C protein (p.Arg282Cys). This variant is present in population databases (rs145245642, gnomAD 0.004%). This variant has not been reported in the literature in individuals affected with USH1C-related conditions. ClinVar contains an entry for this variant (Variation ID: 1001050). Algorithms developed to predict the effect of missense changes on protein structure and function are either unavailable or do not agree on the potential impact of this missense change (SIFT: "Deleterious"; PolyPhen-2: "Probably Damaging"; Align-GVGD: "Class C15"). In summary, the available evidence is currently insufficient to determine the role of this variant in disease. Therefore, it has been classified as a Variant of Uncertain Significance.

Natera, Inc.
Classification: Uncertain significance for Usher syndrome type 1C. Last evaluated: 2020-01-27. Review status: no assertion criteria provided. Collection method: clinical testing. Allele origin: germline. Not counted in ClinVar's aggregate classification.

NM_153676.4(USH1C):c.844C>T (p.Arg282Cys)

Gene: USH1C (USH1 protein network component harmonin; minus strand). Cytogenetic location: 11p15.1.
Variant type: single nucleotide variant.
Coding change: c.844C>T on transcript NM_153676.4 (MANE Select); coding-DNA position 844, C replaced by T.
Protein change: p.Arg282Cys; replaces arginine 282 with cysteine.
Molecular consequence: missense variant. On other transcripts: non-coding transcript variant (1), intron variant (1).
Genome position (GRCh38, 1-based): chr11:17,523,243, G>A on the plus strand (C>T on the coding strand, the complement: USH1C is on the minus strand). VCF-style: chr11-17523243-G-A. GRCh37 (hg19) VCF-style: chr11-17544790-G-A.
Other names: c.844C>T, p.Arg282Cys (NM_005709.4); c.819+176C>T (NM_001297764.2); c.844C>T (NM_005709.3); short protein forms R282C.
Identifiers: ClinVar variation 1001050 (VCV001001050.5), dbSNP rs145245642, ClinGen allele CA5904839.
Genomic context (GRCh38, chr11:17,523,243, plus strand): 5'-GGCTCCCACCAGCTCATTCTGGACTTACAGCTGCAGCTACAATGGAGATGGTCAGGCTGC[G>A]GCTACTCTTCAGCACATTTACAGCCTGTGGGGACAGAAGGACAGTGGGCCGAGGCCTGAC-3'
Protein context (NP_710142.1, residues 272-292): KEAVNVLKSS[Arg282Cys]SLTISIVAAA